The following is an entry in ClinVar:

NM_001105206.3(LAMA4):c.1523C>T (p.Ala508Val)

Gene: LAMA4 (laminin subunit alpha 4; minus strand). Cytogenetic location: 6q21.
Variant type: single nucleotide variant.
Coding change: c.1523C>T on transcript NM_001105206.3 (MANE Select); coding-DNA position 1523, C replaced by T.
Protein change: p.Ala508Val; replaces alanine 508 with valine.
Molecular consequence: missense variant.
Genome position (GRCh38, 1-based): chr6:112,172,639, G>A on the plus strand (C>T on the coding strand, the complement: LAMA4 is on the minus strand). VCF-style: chr6-112172639-G-A. GRCh37 (hg19) VCF-style: chr6-112493841-G-A.
Other names: c.1502C>T, p.Ala501Val (NM_001105207.3, NM_002290.5); short protein forms A508V, A501V.
Identifiers: ClinVar variation 2447561 (VCV002447561.2), dbSNP rs1489894322, ClinGen allele CA365370490.

ClinVar aggregate classification (germline): Uncertain significance (1 of 4 stars; one submission).

Conditions:
Cardiovascular phenotype. Identifiers: MedGen CN230736.

Submission:

Ambry Genetics
Classification: Uncertain significance for Cardiovascular phenotype. Last evaluated: 2023-01-22. Review status: criteria provided, single submitter. Criteria: Ambry Variant Classification Scheme 2023. Collection method: clinical testing. Allele origin: germline.
Comment: The p.A501V variant (also known as c.1502C>T), located in coding exon 11 of the LAMA4 gene, results from a C to T substitution at nucleotide position 1502. The alanine at codon 501 is replaced by valine, an amino acid with similar properties. This amino acid position is conserved. In addition, this alteration is predicted to be tolerated by in silico analysis. Since supporting evidence is limited at this time, the clinical significance of this alteration remains unclear.